The following is an entry in ClinVar:

ClinVar aggregate classification (germline): Uncertain significance. Review status: criteria provided, multiple submitters, no conflicts (2 of 4 stars). 2 submissions from 2 submitters: Uncertain significance (2). Last evaluated 2025-01-25.

Conditions:
Erythrocytosis, familial, 3 (ECYT3). Identifiers: Orphanet 247511, MedGen C1853286, MONDO:0012353, OMIM 609820.

Allele frequency attached by ClinVar (database versions not stated): gnomAD exomes 0.00001; gnomAD 0.00003.
gnomAD v4.1: 25 of 1,549,622 alleles (0.0016%); highest among the groups gnomAD compares: Non-Finnish European, 0.00026%; no homozygotes.

Submissions (2):

Ambry Genetics
Classification: Uncertain significance. Last evaluated: 2025-01-25. Review status: criteria provided, single submitter. Criteria: Ambry Variant Classification Scheme 2023. Collection method: clinical testing. Allele origin: germline.
Comment: The p.S153L variant (also known as c.458C>T), located in coding exon 1 of the EGLN1 gene, results from a C to T substitution at nucleotide position 458. The serine at codon 153 is replaced by leucine, an amino acid with dissimilar properties. This amino acid position is conserved. In addition, this alteration is predicted to be tolerated by in silico analysis. Since supporting evidence is limited at this time, the clinical significance of this alteration remains unclear.

Labcorp Genetics (formerly Invitae), Labcorp
Classification: Uncertain significance for Erythrocytosis, familial, 3. Last evaluated: 2022-11-22. Review status: criteria provided, single submitter. Criteria: Invitae Variant Classification Sherloc (09022015). Collection method: clinical testing. Allele origin: germline.
Comment: In summary, the available evidence is currently insufficient to determine the role of this variant in disease. Therefore, it has been classified as a Variant of Uncertain Significance. Algorithms developed to predict the effect of missense changes on protein structure and function (SIFT, PolyPhen-2, Align-GVGD) all suggest that this variant is likely to be tolerated. This variant has not been reported in the literature in individuals affected with EGLN1-related conditions. This variant is present in population databases (no rsID available, gnomAD 0.05%). This sequence change replaces serine, which is neutral and polar, with leucine, which is neutral and non-polar, at codon 153 of the EGLN1 protein (p.Ser153Leu).

NM_022051.3(EGLN1):c.458C>T (p.Ser153Leu)

Gene: EGLN1 (egl-9 family hypoxia inducible factor 1; minus strand). Cytogenetic location: 1q42.2.
Variant type: single nucleotide variant.
Coding change: c.458C>T on transcript NM_022051.3 (MANE Select); coding-DNA position 458, C replaced by T.
Protein change: p.Ser153Leu; replaces serine 153 with leucine.
Molecular consequence: missense variant.
Genome position (GRCh38, 1-based): chr1:231,421,431, G>A on the plus strand (C>T on the coding strand, the complement: EGLN1 is on the minus strand). VCF-style: chr1-231421431-G-A. GRCh37 (hg19) VCF-style: chr1-231557177-G-A.
Other names: c.458C>T, p.Ser153Leu (NM_001377260.1, NM_001377261.1); short protein forms S153L.
Identifiers: ClinVar variation 1741701 (VCV001741701.6), dbSNP rs1316991180, ClinGen allele CA345236897.